The following is an entry in ClinVar:

ClinVar aggregate classification (germline): Uncertain significance. Review status: criteria provided, multiple submitters, no conflicts (2 of 4 stars). 3 submissions from 3 submitters: Uncertain significance (3). Last evaluated 2023-12-24.

Conditions:
Hereditary cancer-predisposing syndrome. Also called: Neoplastic Syndromes, Hereditary; Hereditary Cancer Syndrome; Tumor predisposition; Hereditary neoplastic syndrome. Identifiers: Orphanet 140162, MedGen C0027672, MeSH D009386, MONDO:0015356.

Submissions (3):

GeneDx
Classification: Uncertain significance. Last evaluated: 2023-12-24. Review status: criteria provided, single submitter. Criteria: GeneDx Variant Classification Process June 2021. Collection method: clinical testing. Allele origin: germline. Affected: yes.
Comment: Not observed at significant frequency in large population cohorts (gnomAD); In silico analysis supports that this missense variant has a deleterious effect on protein structure/function; Has not been previously published as pathogenic or benign to our knowledge

Ambry Genetics
Classification: Uncertain significance for Hereditary cancer-predisposing syndrome. Last evaluated: 2023-08-13. Review status: criteria provided, single submitter. Criteria: Ambry Variant Classification Scheme 2023. Collection method: clinical testing. Allele origin: germline.
Comment: The p.R2026G variant (also known as c.6076A>G), located in coding exon 44 of the POLE gene, results from an A to G substitution at nucleotide position 6076. The arginine at codon 2026 is replaced by glycine, an amino acid with dissimilar properties. This amino acid position is conserved. In addition, this alteration is predicted to be tolerated by in silico analysis. Since supporting evidence is limited at this time, the clinical significance of this alteration remains unclear.

Labcorp Genetics (formerly Invitae), Labcorp
Classification: Uncertain significance. Last evaluated: 2022-01-28. Review status: criteria provided, single submitter. Criteria: Invitae Variant Classification Sherloc (09022015). Collection method: clinical testing. Allele origin: germline.
Comment: ClinVar contains an entry for this variant (Variation ID: 806967). Algorithms developed to predict the effect of missense changes on protein structure and function are either unavailable or do not agree on the potential impact of this missense change (SIFT: "Deleterious"; PolyPhen-2: "Benign"; Align-GVGD: "Class C0"). In summary, the available evidence is currently insufficient to determine the role of this variant in disease. Therefore, it has been classified as a Variant of Uncertain Significance. This variant has not been reported in the literature in individuals affected with POLE-related conditions. This sequence change replaces arginine, which is basic and polar, with glycine, which is neutral and non-polar, at codon 2026 of the POLE protein (p.Arg2026Gly). This variant is not present in population databases (gnomAD no frequency).

NM_006231.4(POLE):c.6076A>G (p.Arg2026Gly)

Gene: POLE (DNA polymerase epsilon, catalytic subunit; minus strand). Cytogenetic location: 12q24.33.
Variant type: single nucleotide variant.
Coding change: c.6076A>G on transcript NM_006231.4 (MANE Select); coding-DNA position 6076, A replaced by G.
Protein change: p.Arg2026Gly; replaces arginine 2026 with glycine.
Molecular consequence: missense variant.
Genome position (GRCh38, 1-based): chr12:132,632,724, T>C on the plus strand (A>G on the coding strand, the complement: POLE is on the minus strand). VCF-style: chr12-132632724-T-C. GRCh37 (hg19) VCF-style: chr12-133209310-T-C.
Other names: c.6076A>G (NM_006231.2); short protein forms R2026G.
Identifiers: ClinVar variation 806967 (VCV000806967.19), dbSNP rs1593708976, ClinGen allele CA387370607.